The following is an entry in ClinVar:

ClinVar aggregate classification (germline): Uncertain significance (1 of 4 stars; one submission).

Submission:

Ambry Genetics
Classification: Uncertain significance. Last evaluated: 2026-04-11. Review status: criteria provided, single submitter. Criteria: Ambry Variant Classification Scheme 2023. Collection method: clinical testing. Allele origin: germline.
Comment: The p.G42S variant (also known as c.124G>A), located in coding exon 3 of the RPS20 gene, results from a G to A substitution at nucleotide position 124. The glycine at codon 42 is replaced by serine, an amino acid with similar properties. This amino acid position is conserved. In addition, this alteration is predicted to be deleterious by in silico analysis. Based on the available evidence, the clinical significance of this variant remains unclear.

NM_001023.4(RPS20):c.124G>A (p.Gly42Ser)

Gene: RPS20 (ribosomal protein S20; minus strand). Cytogenetic location: 8q12.1.
Variant type: single nucleotide variant.
Coding change: c.124G>A on transcript NM_001023.4 (MANE Select); coding-DNA position 124, G replaced by A.
Protein change: p.Gly42Ser; replaces glycine 42 with serine.
Molecular consequence: missense variant.
Genome position (GRCh38, 1-based): chr8:56,073,748, C>T on the plus strand (G>A on the coding strand, the complement: RPS20 is on the minus strand). VCF-style: chr8-56073748-C-T. GRCh37 (hg19) VCF-style: chr8-56986307-C-T.
Other names: c.124G>A, p.Gly42Ser (NM_001146227.3); short protein forms G42S.
Identifiers: ClinVar variation 4863490 (VCV004863490.1).